The following is an entry in ClinVar:

NM_022168.4(IFIH1):c.2574A>G (p.Ile858Met)

Gene: IFIH1 (interferon induced with helicase C domain 1; minus strand). Cytogenetic location: 2q24.2.
Variant type: single nucleotide variant.
Coding change: c.2574A>G on transcript NM_022168.4 (MANE Select); coding-DNA position 2574, A replaced by G.
Protein change: p.Ile858Met; replaces isoleucine 858 with methionine.
Molecular consequence: missense variant.
Genome position (GRCh38, 1-based): chr2:162,272,268, T>C on the plus strand (A>G on the coding strand, the complement: IFIH1 is on the minus strand). VCF-style: chr2-162272268-T-C. GRCh37 (hg19) VCF-style: chr2-163128778-T-C.
Other names: short protein forms I858M.
Identifiers: ClinVar variation 2133307 (VCV002133307.4), dbSNP rs2468952330, ClinGen allele CA348994026.
Genomic context (GRCh38, chr2:162,272,268, plus strand): 5'-AGAGGTGACCAACAATACCTTATGAGCATACTCCTCTGGTTTCATATTTTGAACACAATG[T>C]ATAGCTTTATACATCATCTTCTCTCGGAAATCATTAACTGTCTCATGTTCGATAACTCCT-3'
Protein context (NP_071451.2, residues 848-868): DFREKMMYKA[Ile858Met]HCVQNMKPEE

ClinVar aggregate classification (germline): Uncertain significance (1 of 4 stars; one submission).

Conditions:
Aicardi-Goutieres syndrome 7 (AGS7). Identifiers: Orphanet 51, MedGen C3888244, MONDO:0014367, OMIM 615846.
Singleton-Merten syndrome 1 (SGMRT1). Also called: Widened medullary cavities of bone, aortic calcification, abnormal dentition, and muscular weakness; Syndrome of widened medullary cavities of the metacarpals and phalanges, aortic calcification and abnormal dentition. Identifiers: Orphanet 85191, MedGen C4225427, MONDO:0024535, OMIM 182250.

Allele frequency attached by ClinVar (database versions not stated): gnomAD exomes below 0.00001.
gnomAD v4.1: 1 of 1,612,716 alleles (0.000062%); highest among the groups gnomAD compares: Non-Finnish European, 0.000085%; no homozygotes.

Submission:

Labcorp Genetics (formerly Invitae), Labcorp
Classification: Uncertain significance for Aicardi-Goutieres syndrome 7; Singleton-Merten syndrome 1. Last evaluated: 2022-05-04. Review status: criteria provided, single submitter. Criteria: Invitae Variant Classification Sherloc (09022015). Collection method: clinical testing. Allele origin: germline.
Comment: In summary, the available evidence is currently insufficient to determine the role of this variant in disease. Therefore, it has been classified as a Variant of Uncertain Significance. Algorithms developed to predict the effect of missense changes on protein structure and function are either unavailable or do not agree on the potential impact of this missense change (SIFT: "Tolerated"; PolyPhen-2: "Possibly Damaging"; Align-GVGD: "Class C0"). This variant has not been reported in the literature in individuals affected with IFIH1-related conditions. This variant is not present in population databases (gnomAD no frequency). This sequence change replaces isoleucine, which is neutral and non-polar, with methionine, which is neutral and non-polar, at codon 858 of the IFIH1 protein (p.Ile858Met).